The following is an entry in ClinVar:

ClinVar aggregate classification (germline): Uncertain significance. Review status: criteria provided, multiple submitters, no conflicts (2 of 4 stars). 6 submissions from 6 submitters: Uncertain significance (6). Last evaluated 2024-07-03.

Conditions:
Melanoma, cutaneous malignant, susceptibility to, 1 (CMM1). Also called: MELANOMA, MALIGNANT; B-K MOLE SYNDROME; DYSPLASTIC NEVUS SYNDROME, HEREDITARY; FAMILIAL ATYPICAL MOLE-MALIGNANT MELANOMA SYNDROME. Identifiers: Orphanet 618, MedGen C1835047, MONDO:0007963, OMIM 155600.
Hereditary cancer-predisposing syndrome. Also called: Hereditary Cancer Syndrome; Neoplastic Syndromes, Hereditary; Tumor predisposition; Hereditary neoplastic syndrome. Identifiers: Orphanet 140162, MedGen C0027672, MeSH D009386, MONDO:0015356.
Peutz-Jeghers syndrome (PJS). Also called: POLYPOSIS, HAMARTOMATOUS INTESTINAL; POLYPS-AND-SPOTS SYNDROME; Peutz-Jeghers polyposis; Periorificial lentiginosis syndrome. Identifiers: Orphanet 2869, MedGen C0031269, MeSH D010580, MONDO:0008280, OMIM 175200.

Allele frequency attached by ClinVar (database versions not stated): gnomAD 0.00001; gnomAD exomes 0.00001.

Submissions (6):

Labcorp Genetics (formerly Invitae), Labcorp
Classification: Uncertain significance for Peutz-Jeghers syndrome. Last evaluated: 2024-07-03. Review status: criteria provided, single submitter. Criteria: Invitae Variant Classification Sherloc (09022015). Collection method: clinical testing. Allele origin: germline.
Comment: This sequence change replaces arginine, which is basic and polar, with cysteine, which is neutral and slightly polar, at codon 39 of the STK11 protein (p.Arg39Cys). This variant is not present in population databases (gnomAD no frequency). This variant has not been reported in the literature in individuals affected with STK11-related conditions. ClinVar contains an entry for this variant (Variation ID: 230795). Advanced modeling of protein sequence and biophysical properties (such as structural, functional, and spatial information, amino acid conservation, physicochemical variation, residue mobility, and thermodynamic stability) has been performed at Invitae for this missense variant, however the output from this modeling did not meet the statistical confidence thresholds required to predict the impact of this variant on STK11 protein function. In summary, the available evidence is currently insufficient to determine the role of this variant in disease. Therefore, it has been classified as a Variant of Uncertain Significance.

Ambry Genetics
Classification: Uncertain significance for Hereditary cancer-predisposing syndrome. Last evaluated: 2024-03-24. Review status: criteria provided, single submitter. Criteria: Ambry Variant Classification Scheme 2023. Collection method: clinical testing. Allele origin: germline.
Comment: The p.R39C variant (also known as c.115C>T), located in coding exon 1 of the STK11 gene, results from a C to T substitution at nucleotide position 115. The arginine at codon 39 is replaced by cysteine, an amino acid with highly dissimilar properties. This amino acid position is highly conserved in available vertebrate species. In addition, the in silico prediction for this alteration is inconclusive. Since supporting evidence is limited at this time, the clinical significance of this alteration remains unclear.

Baylor Genetics
Classification: Uncertain significance for Melanoma, cutaneous malignant, susceptibility to, 1. Last evaluated: 2024-03-08. Review status: criteria provided, single submitter. Criteria: ACMG Guidelines, 2015. Collection method: clinical testing. Allele origin: unknown.

Department of Pathology and Laboratory Medicine, Sinai Health System
Classification: Uncertain significance for Peutz-Jeghers syndrome. Last evaluated: 2023-10-16. Review status: criteria provided, single submitter. Criteria: ACMG Guidelines, 2015. Collection method: clinical testing. Allele origin: germline. Affected: yes.

Genome-Nilou Lab
Classification: Uncertain significance for Peutz-Jeghers syndrome. Last evaluated: 2021-07-15. Review status: criteria provided, single submitter. Criteria: ACMG Guidelines, 2015. Collection method: clinical testing. Allele origin: germline. Affected: no.

Color Diagnostics, LLC DBA Color Health
Classification: Uncertain significance for Hereditary cancer-predisposing syndrome. Last evaluated: 2020-03-16. Review status: criteria provided, single submitter. Criteria: ACMG Guidelines, 2015. Collection method: clinical testing. Allele origin: germline.
Comment: This missense variant replaces arginine with cysteine at codon 39 of the STK11 protein. Computational prediction is inconclusive regarding the impact of this variant on protein structure and function (internally defined REVEL score threshold 0.5 < inconclusive < 0.7, PMID: 27666373). To our knowledge, functional studies have not been reported for this variant. This variant has not been reported in individuals affected with hereditary cancer in the literature. This variant has not been identified in the general population by the Genome Aggregation Database (gnomAD). The available evidence is insufficient to determine the role of this variant in disease conclusively. Therefore, this variant is classified as a Variant of Uncertain Significance.

NM_000455.5(STK11):c.115C>T (p.Arg39Cys)

Gene: STK11 (serine/threonine kinase 11; plus strand). Cytogenetic location: 19p13.3.
Variant type: single nucleotide variant.
Coding change: c.115C>T on transcript NM_000455.5 (MANE Select); coding-DNA position 115, C replaced by T.
Protein change: p.Arg39Cys; replaces arginine 39 with cysteine.
Molecular consequence: missense variant.
Genome position (GRCh38, 1-based): chr19:1,207,028, C>T. VCF-style: chr19-1207028-C-T. GRCh37 (hg19) VCF-style: chr19-1207027-C-T.
Other names: short protein forms R39C.
Identifiers: ClinVar variation 230795 (VCV000230795.19), dbSNP rs876658779, ClinGen allele CA089256.